The following is an entry in ClinVar:

NM_032043.3(BRIP1):c.3498A>G (p.Leu1166=)

Gene: BRIP1 (BRCA1 interacting DNA helicase 1; minus strand). Cytogenetic location: 17q23.2.
Variant type: single nucleotide variant.
Coding change: c.3498A>G on transcript NM_032043.3 (MANE Select); coding-DNA position 3498, A replaced by G.
Protein change: p.Leu1166=; no amino-acid change (leucine 1166 retained).
Molecular consequence: synonymous variant.
Genome position (GRCh38, 1-based): chr17:61,683,548, T>C on the plus strand (A>G on the coding strand, the complement: BRIP1 is on the minus strand). VCF-style: chr17-61683548-T-C. GRCh37 (hg19) VCF-style: chr17-59760909-T-C.
Identifiers: ClinVar variation 823847 (VCV000823847.16), dbSNP rs1196759903, ClinGen allele CA501334990.

ClinVar aggregate classification (germline): Benign/Likely benign. Review status: criteria provided, multiple submitters, no conflicts (2 of 4 stars). 4 submissions from 4 submitters: Benign (1); Likely benign (3). Last evaluated 2024-09-10.

Conditions:
Hereditary cancer-predisposing syndrome. Also called: Neoplastic Syndromes, Hereditary; Hereditary Cancer Syndrome; Hereditary neoplastic syndrome; Tumor predisposition. Identifiers: Orphanet 140162, MedGen C0027672, MeSH D009386, MONDO:0015356.
Familial cancer of breast. Also called: hereditary breast carcinoma; BREAST CANCER, FAMILIAL; Hereditary breast cancer. Identifiers: Orphanet 227535, MedGen C0346153, MONDO:0016419, OMIM 114480. Disease mechanism: loss of function.
Fanconi anemia complementation group J. Also called: BRIP1-Related Fanconi Anemia. Identifiers: Orphanet 84, MedGen C1836860, MONDO:0012187, OMIM 609054.

Submissions (4):

Myriad Genetics, Inc.
Classification: Benign for Familial cancer of breast. Last evaluated: 2024-09-10. Review status: criteria provided, single submitter. Criteria: Myriad Autosomal Dominant, Autosomal Recessive and X-Linked Classification Criteria (2023). Collection method: clinical testing. Allele origin: unknown.
Comment: This variant is considered benign. This variant is a silent/synonymous amino acid change and it is not expected to impact splicing.

Color Diagnostics, LLC DBA Color Health
Classification: Likely benign for Hereditary cancer-predisposing syndrome. Last evaluated: 2024-06-12. Review status: criteria provided, single submitter. Criteria: ACMG Guidelines, 2015. Collection method: clinical testing. Allele origin: germline.

Labcorp Genetics (formerly Invitae), Labcorp
Classification: Likely benign for Familial cancer of breast; Fanconi anemia complementation group J. Last evaluated: 2021-06-14. Review status: criteria provided, single submitter. Criteria: Invitae Variant Classification Sherloc (09022015). Collection method: clinical testing. Allele origin: germline.

Ambry Genetics
Classification: Likely benign for Hereditary cancer-predisposing syndrome. Last evaluated: 2019-11-01. Review status: criteria provided, single submitter. Criteria: Ambry Variant Classification Scheme 2023. Collection method: clinical testing. Allele origin: germline.